The following is an entry in ClinVar:

GRCh37/hg19 14q32.2-32.31(chr14:101319804-101477345)x1

Genes: MIR433 (microRNA 433; plus strand), RTL1 (retrotransposon Gag like 1; minus strand), SNORD113-1 (small nucleolar RNA, C/D box 113-1; plus strand), SNORD112 (small nucleolar RNA, C/D box 112; plus strand), MEG3 (maternally expressed 3; plus strand) and 6 more. Cytogenetic location: 14q32.2-32.31.
Variant type: copy number loss.
Change: copy number 1 (one copy instead of two) of chr14:101,319,804-101,477,345 (157.5 kb, GRCh37 coordinates, 1-based), cytogenetic band 14q32.2-32.31.
Identifiers: ClinVar variation 2685501 (VCV002685501.1).

ClinVar aggregate classification (germline): Likely pathogenic (1 of 4 stars; one submission).

Submission:

Quest Diagnostics Nichols Institute San Juan Capistrano
Classification: Likely pathogenic. Last evaluated: 2023-02-08. Review status: criteria provided, single submitter. Criteria: ACMG/ClinGen CNV Guidelines, 2019. Collection method: clinical testing. Allele origin: unknown.
Comment: This loss involves the entire protein coding gene RTL1 (OMIM 611896), and the last exon of the non-coding gene MEG3 (OMIM 605636). Overlapping maternally-derived 14q32.2q32.31 deletions involving the MEG3-DMR have been reported in multiple individuals with features of Kagami-Ogata syndrome (OMIM 608149, Beygo 2015, Corsello 2015, Hu 2022, Jung 2018, Kagami 2010, Rosenfeld 2015, Van der Werf 2016). However, maternally-derived 14q32 deletions similar to the current interval have been also reported in two individuals with UPD(14)pat phenotypes (Coresello 2015, Rosenfeld 2015). There are no similar copy number losses spanning this region in the general populations of the Database of Genomic Variants. Thus, based on gene content and current medical literature, this copy number variant (CNV) is classified as likely pathogenic. References: Beygo et al., Eur J Hum Genet. 2015 Feb;23(2):180-8. PMID: 24801763 Corsello et al., Am J Med Genet A. 2015 Dec;167A(12):3130-8. PMID: 26333487 Hu et al., Front Genet. 2022 Aug 11;13:959666. PMID: 36035167 Jung et al., J Hum Genet. 2018 Dec;63(12):1231-1239. PMID: 30232357 Kagami et al., PLoS Genet. 2010 Jun 17;6(6):e1000992. PMID: 20585555 Rosenfeld et al., Am J Med Genet A. 2015 Feb;167A(2):345-53. PMID: 25756153 Van der Werf et al., Eur J Hum Genet. 2016 Dec;24(12):1724-1729. PMID: 27406249